The following is an entry in ClinVar:

NM_001082486.2(ACD):c.1058A>G (p.His353Arg)

Gene: ACD (ACD shelterin complex subunit and telomerase recruitment factor; minus strand). Cytogenetic location: 16q22.1.
Variant type: single nucleotide variant.
Coding change: c.1058A>G on transcript NM_001082486.2 (MANE Select); coding-DNA position 1058, A replaced by G.
Protein change: p.His353Arg; replaces histidine 353 with arginine.
Molecular consequence: missense variant.
Genome position (GRCh38, 1-based): chr16:67,658,134, T>C on the plus strand (A>G on the coding strand, the complement: ACD is on the minus strand). VCF-style: chr16-67658134-T-C. GRCh37 (hg19) VCF-style: chr16-67692037-T-C.
Other names: c.971A>G, p.His324Arg (NM_001410884.1); c.1049A>G, p.His350Arg (NM_022914.3); short protein forms H324R, H353R, H350R.
Identifiers: ClinVar variation 2987483 (VCV002987483.3), dbSNP rs2052912225, ClinGen allele CA396352311.

ClinVar aggregate classification (germline): Uncertain significance (1 of 4 stars; one submission).

Conditions:
Dyskeratosis congenita, autosomal dominant 6 (DKCA6). Identifiers: Orphanet 3322, MedGen C4225284, MONDO:0014690, OMIM 616553.

Allele frequency attached by ClinVar (database versions not stated): gnomAD exomes below 0.00001.

Submission:

Labcorp Genetics (formerly Invitae), Labcorp
Classification: Uncertain significance for Dyskeratosis congenita, autosomal dominant 6. Last evaluated: 2024-02-01. Review status: criteria provided, single submitter. Criteria: Invitae Variant Classification Sherloc (09022015). Collection method: clinical testing. Allele origin: germline.
Comment: This sequence change replaces histidine, which is basic and polar, with arginine, which is basic and polar, at codon 439 of the ACD protein (p.His439Arg). This variant is not present in population databases (gnomAD no frequency). This variant has not been reported in the literature in individuals affected with ACD-related conditions. Advanced modeling of protein sequence and biophysical properties (such as structural, functional, and spatial information, amino acid conservation, physicochemical variation, residue mobility, and thermodynamic stability) performed at Invitae indicates that this missense variant is not expected to disrupt ACD protein function with a negative predictive value of 80%. In summary, the available evidence is currently insufficient to determine the role of this variant in disease. Therefore, it has been classified as a Variant of Uncertain Significance.